The following is an entry in ClinVar:

NM_198578.4(LRRK2):c.1481A>T (p.His494Leu)

Gene: LRRK2 (leucine rich repeat kinase 2; plus strand). Cytogenetic location: 12q12.
Variant type: single nucleotide variant.
Coding change: c.1481A>T on transcript NM_198578.4 (MANE Select); coding-DNA position 1481, A replaced by T.
Protein change: p.His494Leu; replaces histidine 494 with leucine.
Molecular consequence: missense variant.
Genome position (GRCh38, 1-based): chr12:40,259,542, A>T. VCF-style: chr12-40259542-A-T. GRCh37 (hg19) VCF-style: chr12-40653344-A-T.
Other names: short protein forms H494L.
Identifiers: ClinVar variation 1773573 (VCV001773573.3), dbSNP rs1184766707, ClinGen allele CA384411499.

ClinVar aggregate classification (germline): Uncertain significance (1 of 4 stars; one submission).

Conditions:
Inborn genetic diseases. Identifiers: MedGen C0950123, MeSH D030342.

Submission:

Ambry Genetics
Classification: Uncertain significance for Inborn genetic diseases. Last evaluated: 2024-09-05. Review status: criteria provided, single submitter. Criteria: Ambry Variant Classification Scheme 2023. Collection method: clinical testing. Allele origin: germline.
Comment: The p.H494L variant (also known as c.1481A>T), located in coding exon 13 of the LRRK2 gene, results from an A to T substitution at nucleotide position 1481. The histidine at codon 494 is replaced by leucine, an amino acid with similar properties. This amino acid position is conserved. In addition, the in silico prediction for this alteration is inconclusive. Since supporting evidence is limited at this time, the clinical significance of this alteration remains unclear.